The following is an entry in ClinVar:

NM_001289125.3(IFNAR2):c.1000G>A (p.Gly334Ser)

Genes: IFNAR2 (interferon alpha and beta receptor subunit 2; plus strand), IFNAR2-IL10RB (IFNAR2-IL10RB readthrough; plus strand). Cytogenetic location: 21q22.11.
Variant type: single nucleotide variant.
Coding change: c.1000G>A on transcript NM_001289125.3 (MANE Select); coding-DNA position 1000, G replaced by A.
Protein change: p.Gly334Ser; replaces glycine 334 with serine.
Molecular consequence: missense variant. On other transcripts: 3 prime UTR variant (5).
Genome position (GRCh38, 1-based): chr21:33,262,952, G>A. VCF-style: chr21-33262952-G-A. GRCh37 (hg19) VCF-style: chr21-34635257-G-A.
Other names: c.*236G>A (NM_000874.5, NM_207584.3); c.*149G>A (NM_001289126.2, NM_001289128.2); c.*375G>A (NM_001385054.1); c.1000G>A, p.Gly334Ser (NM_001385055.1, NM_207585.3); c.1000G>A (NM_207585.1); short protein forms G334S.
Identifiers: ClinVar variation 1460955 (VCV001460955.7), dbSNP rs1165831556, ClinGen allele CA410104801.

ClinVar aggregate classification (germline): Uncertain significance. Review status: criteria provided, multiple submitters, no conflicts (2 of 4 stars). 2 submissions from 2 submitters: Uncertain significance (2). Last evaluated 2023-12-16.

Allele frequency attached by ClinVar (database versions not stated): TOPMed below 0.00001; gnomAD 0.00001.
gnomAD v4.1: 1 of 1,614,080 alleles (0.000062%); no homozygotes.

Submissions (2):

Ambry Genetics
Classification: Uncertain significance. Last evaluated: 2023-12-16. Review status: criteria provided, single submitter. Criteria: Ambry Variant Classification Scheme 2023. Collection method: clinical testing. Allele origin: germline.

Labcorp Genetics (formerly Invitae), Labcorp
Classification: Uncertain significance. Last evaluated: 2022-08-16. Review status: criteria provided, single submitter. Criteria: Invitae Variant Classification Sherloc (09022015). Collection method: clinical testing. Allele origin: germline.
Comment: In summary, the available evidence is currently insufficient to determine the role of this variant in disease. Therefore, it has been classified as a Variant of Uncertain Significance. Algorithms developed to predict the effect of missense changes on protein structure and function output the following: SIFT: "Tolerated"; PolyPhen-2: "Possibly Damaging"; Align-GVGD: "Class C0". The serine amino acid residue is found in multiple mammalian species, which suggests that this missense change does not adversely affect protein function. ClinVar contains an entry for this variant (Variation ID: 1460955). This variant has not been reported in the literature in individuals affected with IFNAR2-related conditions. This variant is not present in population databases (gnomAD no frequency). This sequence change replaces glycine, which is neutral and non-polar, with serine, which is neutral and polar, at codon 334 of the IFNAR2 protein (p.Gly334Ser).